The following is an entry in ClinVar:

NM_024580.6(EFL1):c.2121A>G (p.Glu707=)

Gene: EFL1 (elongation factor like GTPase 1; minus strand). Cytogenetic location: 15q25.2.
Variant type: single nucleotide variant.
Coding change: c.2121A>G on transcript NM_024580.6 (MANE Select); coding-DNA position 2121, A replaced by G.
Protein change: p.Glu707=; no amino-acid change (glutamic acid 707 retained).
Molecular consequence: synonymous variant. On other transcripts: non-coding transcript variant (1).
Genome position (GRCh38, 1-based): chr15:82,152,333, T>C on the plus strand (A>G on the coding strand, the complement: EFL1 is on the minus strand). VCF-style: chr15-82152333-T-C. GRCh37 (hg19) VCF-style: chr15-82444674-T-C.
Other names: c.1968A>G, p.Glu656= (NM_001040610.3); c.1332A>G, p.Glu444= (NM_001322844.2); c.2121A>G, p.Glu707= (NM_001322845.2).
Identifiers: ClinVar variation 4873455 (VCV004873455.2).

ClinVar aggregate classification (germline): Likely benign (1 of 4 stars; one submission).

Submission:

CeGaT Center for Human Genetics Tuebingen
Classification: Likely benign. Last evaluated: 2026-05-01. Review status: criteria provided, single submitter. Criteria: CeGaT Center For Human Genetics Tuebingen Variant Classification Criteria Version 2. Collection method: clinical testing. Allele origin: germline. Affected: yes. Observed: 1 variant allele.
Comment: EFL1: PM2:Supporting, BP4, BP7